The following is an entry in ClinVar:

NM_001042492.3(NF1):c.4231_4233del (p.Leu1411del)

Gene: NF1 (neurofibromin 1; plus strand). Cytogenetic location: 17q11.2.
Variant type: Deletion.
Coding change: c.4231_4233del on transcript NM_001042492.3 (MANE Select); coding-DNA positions 4231 to 4233, 3 bases deleted (CTC; older notation c.4231_4233delCTC).
Protein change: p.Leu1411del; deletes leucine 1411.
Molecular consequence: inframe deletion. On other transcripts: inframe indel (1).
Genome position (GRCh38, 1-based): chr17:31,258,401-31,258,403, CTC deleted; deleting any 3 consecutive bases within chr17:31,258,399-31,258,403 gives the same sequence; the c. name uses the placement nearest the transcript's 3' end. VCF-style (leftmost placement, unchanged base first): chr17-31258398-TTCC-T. GRCh37 (hg19) VCF-style: chr17-29585416-TTCC-T.
Other names: c.4168_4170delCTC, p.Leu1390del (NM_000267.4); short protein forms L1390del, L1411del.
Identifiers: ClinVar variation 2695402 (VCV002695402.3), dbSNP rs2508408383, ClinGen allele CA2697559740.
Genomic context (GRCh38, chr17:31,258,398, plus strand): 5'-TTTTAGGTGGTTAGCCAGCGTTTCCCTCAGAACAGCATCGGTGCAGTAGGAAGTGCCATG[TTCC>T]TCAGATTTATCAATCCTGCCATTGTCTCACCGTATGAAGCAGGGATTTTAGATAAAAAGC-3'

ClinVar aggregate classification (germline): Pathogenic (1 of 4 stars; one submission).

Conditions:
Neurofibromatosis, type 1 (NF1). Also called: Peripheral type neurofibromatosis; VON RECKLINGHAUSEN DISEASE; Neurofibromatosis, type I; NEUROFIBROMATOSIS, TYPE I, SOMATIC. Identifiers: Orphanet 636, MedGen C0027831, MONDO:0018975, OMIM 162200. Disease mechanism: loss of function.

Submission:

Labcorp Genetics (formerly Invitae), Labcorp
Classification: Pathogenic for Neurofibromatosis, type 1. Last evaluated: 2023-11-13. Review status: criteria provided, single submitter. Criteria: Invitae Variant Classification Sherloc (09022015). Collection method: clinical testing. Allele origin: germline.
Comment: This variant, c.4168_4170del, results in the deletion of 1 amino acid(s) of the NF1 protein (p.Leu1390del), but otherwise preserves the integrity of the reading frame. This variant is not present in population databases (gnomAD no frequency). This variant has not been reported in the literature in individuals affected with NF1-related conditions. Experimental studies and prediction algorithms are not available or were not evaluated, and the functional significance of this variant is currently unknown. This variant disrupts a region of the NF1 protein in which other variant(s) (p.Leu1390Phe) have been determined to be pathogenic (PMID: 16835897, 19845691; Invitae). This suggests that this is a clinically significant region of the protein, and that variants that disrupt it are likely to be disease-causing. For these reasons, this variant has been classified as Pathogenic.

Literature cited by the submitters: PubMed 16835897; PubMed 19845691.